The following is an entry in ClinVar:

ClinVar aggregate classification (germline): Uncertain significance. Review status: criteria provided, multiple submitters, no conflicts (2 of 4 stars). 2 submissions from 2 submitters: Uncertain significance (2). Last evaluated 2026-03-13.

Conditions:
Fanconi anemia complementation group J. Also called: BRIP1-Related Fanconi Anemia. Identifiers: Orphanet 84, MedGen C1836860, MONDO:0012187, OMIM 609054.
Familial cancer of breast. Also called: Hereditary breast cancer; hereditary breast carcinoma; BREAST CANCER, FAMILIAL. Identifiers: Orphanet 227535, MedGen C0346153, MONDO:0016419, OMIM 114480. Disease mechanism: loss of function.

Submissions (2):

Dasa
Classification: Uncertain significance. Last evaluated: 2026-03-13. Review status: criteria provided, single submitter. Criteria: DASA Assertion Criteria. Collection method: clinical testing. Allele origin: germline.
Comment: NM_032043.3(BRIP1):c.2537A>G (p.Asp846Gly) is a missense variant that results in the substitution of aspartic acid with glycine. This variant is absent from population databases. Computational prediction algorithms are consistent with a deleterious effect. The currently available literature and clinical evidence are not sufficient to establish a definitive association between this variant and the reported condition. Therefore, this variant is classified as a variant of uncertain significance.

Labcorp Genetics (formerly Invitae), Labcorp
Classification: Uncertain significance for Familial cancer of breast; Fanconi anemia complementation group J. Last evaluated: 2024-03-14. Review status: criteria provided, single submitter. Criteria: Invitae Variant Classification Sherloc (09022015). Collection method: clinical testing. Allele origin: germline.
Comment: This sequence change replaces aspartic acid, which is acidic and polar, with glycine, which is neutral and non-polar, at codon 846 of the BRIP1 protein (p.Asp846Gly). RNA analysis indicates that this missense change induces altered splicing and may result in an absent or disrupted protein product. This variant is not present in population databases (gnomAD no frequency). This variant has not been reported in the literature in individuals affected with BRIP1-related conditions. Advanced modeling of protein sequence and biophysical properties (such as structural, functional, and spatial information, amino acid conservation, physicochemical variation, residue mobility, and thermodynamic stability) performed at Invitae indicates that this missense variant is expected to disrupt BRIP1 protein function with a positive predictive value of 80%. Studies have shown that this missense change results in skipping of exon 18 and introduces a premature termination codon (Invitae). The resulting mRNA is expected to undergo nonsense-mediated decay. In summary, the available evidence is currently insufficient to determine the role of this variant in disease. Therefore, it has been classified as a Variant of Uncertain Significance.

NM_032043.3(BRIP1):c.2537A>G (p.Asp846Gly)

Gene: BRIP1 (BRCA1 interacting DNA helicase 1; minus strand). Cytogenetic location: 17q23.2.
Variant type: single nucleotide variant.
Coding change: c.2537A>G on transcript NM_032043.3 (MANE Select); coding-DNA position 2537, A replaced by G.
Protein change: p.Asp846Gly; replaces aspartic acid 846 with glycine.
Molecular consequence: missense variant.
Genome position (GRCh38, 1-based): chr17:61,693,468, T>C on the plus strand (A>G on the coding strand, the complement: BRIP1 is on the minus strand). VCF-style: chr17-61693468-T-C. GRCh37 (hg19) VCF-style: chr17-59770829-T-C.
Other names: short protein forms D846G.
Identifiers: ClinVar variation 3755283 (VCV003755283.4).